The following is an entry in ClinVar:

NM_006445.4(PRPF8):c.6942C>A (p.Phe2314Leu)

Gene: PRPF8 (pre-mRNA processing factor 8; minus strand). Cytogenetic location: 17p13.3.
Variant type: single nucleotide variant.
Coding change: c.6942C>A on transcript NM_006445.4 (MANE Select); coding-DNA position 6942, C replaced by A.
Protein change: p.Phe2314Leu; replaces phenylalanine 2314 with leucine.
Molecular consequence: missense variant.
Genome position (GRCh38, 1-based): chr17:1,650,868, G>T on the plus strand (C>A on the coding strand, the complement: PRPF8 is on the minus strand). VCF-style: chr17-1650868-G-T. GRCh37 (hg19) VCF-style: chr17-1554162-G-T.
Other names: short protein forms F2314L.
Identifiers: ClinVar variation 2137870 (VCV002137870.6), dbSNP rs1911000715, ClinGen allele CA397561943.

ClinVar aggregate classification (germline): Pathogenic/Likely pathogenic. Review status: criteria provided, multiple submitters, no conflicts (2 of 4 stars). 3 submissions from 3 submitters: Pathogenic (2); Likely pathogenic (1). Last evaluated 2022-12-22.

Conditions:
PRPF8-related disorder. Also called: PRPF8-related condition.
Retinal dystrophy. Also called: Inherited retinal dystrophy. Identifiers: Orphanet 71862, MedGen C0854723, MeSH D058499, MONDO:0019118, HP:0000556.

Submissions (3):

Labcorp Genetics (formerly Invitae), Labcorp
Classification: Pathogenic. Last evaluated: 2022-12-22. Review status: criteria provided, single submitter. Criteria: Invitae Variant Classification Sherloc (09022015). Collection method: clinical testing. Allele origin: germline.
Comment: For these reasons, this variant has been classified as Pathogenic. This variant disrupts the p.Phe2314 amino acid residue in PRPF8. Other variant(s) that disrupt this residue have been observed in individuals with PRPF8-related conditions (Invitae), which suggests that this may be a clinically significant amino acid residue. Algorithms developed to predict the effect of sequence changes on RNA splicing suggest that this variant may create or strengthen a splice site. Experimental studies have shown that this missense change affects PRPF8 function (PMID: 28515276). Advanced modeling of protein sequence and biophysical properties (such as structural, functional, and spatial information, amino acid conservation, physicochemical variation, residue mobility, and thermodynamic stability) has been performed at Invitae for this missense variant, however the output from this modeling did not meet the statistical confidence thresholds required to predict the impact of this variant on PRPF8 protein function. This missense change has been observed in individuals with retinitis pigmentosa (PMID: 11468273, 31087526; Invitae). This variant is not present in population databases (gnomAD no frequency). This sequence change replaces phenylalanine, which is neutral and non-polar, with leucine, which is neutral and non-polar, at codon 2314 of the PRPF8 protein (p.Phe2314Leu).

Blueprint Genetics
Classification: Pathogenic for PRPF8-related disorders. Last evaluated: 2022-04-19. Review status: criteria provided, single submitter. Criteria: ACMG Guidelines, 2015. Collection method: clinical testing. Allele origin: germline. Affected: yes. Observed: 2 variant alleles.

Institute of Human Genetics, Univ. Regensburg, Univ. Regensburg
Classification: Likely pathogenic for Retinal dystrophy. Last evaluated: 2013-01-01. Review status: criteria provided, single submitter. Criteria: ACMG Guidelines, 2015. Collection method: clinical testing. Allele origin: germline. Affected: yes.

Literature cited by the submitters: PubMed 28515276 (cited by Labcorp Genetics (formerly Invitae), Labcorp); PubMed 11468273 (cited by Labcorp Genetics (formerly Invitae), Labcorp and Institute of Human Genetics, Univ. Regensburg, Univ. Regensburg); PubMed 31087526 (cited by Labcorp Genetics (formerly Invitae), Labcorp).